The following is an entry in ClinVar:

ClinVar aggregate classification (germline): Uncertain significance. Review status: criteria provided, multiple submitters, no conflicts (2 of 4 stars). 4 submissions from 4 submitters: Uncertain significance (4). Last evaluated 2025-10-08.

Conditions:
Charcot-Marie-Tooth disease axonal type 2C (HMSN2C). Also called: CHARCOT-MARIE-TOOTH DISEASE, AXONAL, AUTOSOMAL DOMINANT, TYPE 2C; Charcot-Marie-Tooth Neuropathy Type 2C; Charcot-Marie-Tooth Disease Type 2, TRPV4-Related (CMT2C). Identifiers: Orphanet 99937, MedGen C1853710, MONDO:0011633, OMIM 606071.
Inborn genetic diseases. Identifiers: MedGen C0950123, MeSH D030342.

Allele frequency attached by ClinVar (database versions not stated): ExAC 0.00002; gnomAD 0.00003; gnomAD exomes 0.00003; TOPMed 0.00004; ESP Exome Variant Server 0.00008; 1000 Genomes Project 30x 0.00016; 1000 Genomes Project 0.00020.
gnomAD v4.1: 48 of 1,609,514 alleles (0.003%); highest among the groups gnomAD compares: Non-Finnish European, 0.0037%; no homozygotes.

Submissions (4):

GeneDx
Classification: Uncertain significance. Last evaluated: 2025-10-08. Review status: criteria provided, single submitter. Criteria: GeneDx Variant Classification Process June 2021. Collection method: clinical testing. Allele origin: germline.
Comment: In silico analysis supports that this missense variant has a deleterious effect on protein structure/function; Has not been previously published as pathogenic or benign to our knowledge

Labcorp Genetics (formerly Invitae), Labcorp
Classification: Uncertain significance for Charcot-Marie-Tooth disease axonal type 2C. Last evaluated: 2025-04-16. Review status: criteria provided, single submitter. Criteria: Invitae Variant Classification Sherloc (09022015). Collection method: clinical testing. Allele origin: germline.
Comment: This sequence change replaces threonine, which is neutral and polar, with methionine, which is neutral and non-polar, at codon 505 of the TRPV4 protein (p.Thr505Met). This variant is present in population databases (rs375574238, gnomAD 0.006%). This missense change has been observed in individual(s) with distal motor neuropathy (internal data). ClinVar contains an entry for this variant (Variation ID: 567340). Invitae Evidence Modeling of protein sequence and biophysical properties (such as structural, functional, and spatial information, amino acid conservation, physicochemical variation, residue mobility, and thermodynamic stability) has been performed for this missense variant. However, the output from this modeling did not meet the statistical confidence thresholds required to predict the impact of this variant on TRPV4 protein function. In summary, the available evidence is currently insufficient to determine the role of this variant in disease. Therefore, it has been classified as a Variant of Uncertain Significance.

Athena Diagnostics
Classification: Uncertain significance. Last evaluated: 2025-03-24. Review status: criteria provided, single submitter. Criteria: Athena Diagnostics Criteria. Collection method: clinical testing. Allele origin: unknown.
Comment: Available data are insufficient to determine the clinical significance of the variant at this time. The frequency of this variant in the general population is uninformative in assessment of its pathogenicity. Polyphen and MutationTaster yielded discordant predictions regarding whether this amino acid change is damaging to the protein.

Ambry Genetics
Classification: Uncertain significance for Inborn genetic diseases. Last evaluated: 2025-02-05. Review status: criteria provided, single submitter. Criteria: Ambry Variant Classification Scheme 2023. Collection method: clinical testing. Allele origin: germline.

NM_021625.5(TRPV4):c.1514C>T (p.Thr505Met)

Gene: TRPV4 (transient receptor potential cation channel subfamily V member 4; minus strand). Cytogenetic location: 12q24.11.
Variant type: single nucleotide variant.
Coding change: c.1514C>T on transcript NM_021625.5 (MANE Select); coding-DNA position 1514, C replaced by T.
Protein change: p.Thr505Met; replaces threonine 505 with methionine.
Molecular consequence: missense variant.
Genome position (GRCh38, 1-based): chr12:109,794,000, G>A on the plus strand (C>T on the coding strand, the complement: TRPV4 is on the minus strand). VCF-style: chr12-109794000-G-A. GRCh37 (hg19) VCF-style: chr12-110231805-G-A.
Other names: c.1373C>T, p.Thr458Met (NM_001177428.2); c.1412C>T, p.Thr471Met (NM_001177431.2); c.1193C>T, p.Thr398Met (NM_001177433.2); c.1334C>T, p.Thr445Met (NM_147204.3); short protein forms T505M, T445M, T458M, T471M, T398M.
Identifiers: ClinVar variation 567340 (VCV000567340.12), dbSNP rs375574238, ClinGen allele CA6780199.